The following is an entry in ClinVar:

NM_138413.4(HOGA1):c.700+2T>A

Gene: HOGA1 (4-hydroxy-2-oxoglutarate aldolase 1; plus strand). Cytogenetic location: 10q24.2.
Variant type: single nucleotide variant.
Coding change: c.700+2T>A on transcript NM_138413.4 (MANE Select); the canonical splice donor site of the intron after coding-DNA position 700, T replaced by A.
Molecular consequence: splice donor variant. On other transcripts: intron variant (1).
Genome position (GRCh38, 1-based): chr10:97,600,165, T>A. VCF-style: chr10-97600165-T-A. GRCh37 (hg19) VCF-style: chr10-99359922-T-A.
Other names: c.212-1692T>A (NM_001134670.2).
Identifiers: ClinVar variation 2664398 (VCV002664398.1), dbSNP rs990830655, ClinGen allele CA377979739.
Genomic context (GRCh38, chr10:97,600,165, plus strand): 5'-GCAGGATTTTCAGGTGTTGGCTGGATCGGCTGGCTTTCTGATGGCCAGCTATGCCTTGGG[T>A]AGGCCGCCCACTGCTCTCAAATTGTCATGGGTGACCAAGAGATACCCAGGTACCTGGGTC-3'

ClinVar aggregate classification (germline): Likely pathogenic (1 of 4 stars; one submission).

Conditions:
Primary hyperoxaluria type 3. Also called: PH III. Identifiers: Orphanet 416, Orphanet 93600, MedGen C3150878, MONDO:0013327, OMIM 613616. Disease mechanism: loss of function.

gnomAD v4.1: 3 of 1,612,672 alleles (0.00019%); highest among the groups gnomAD compares: South Asian, 0.0033%; 1 homozygote.

Submission:

Clinical Biochemistry Laboratory, Health Services Laboratory
Classification: Likely pathogenic for Primary hyperoxaluria type 3. Last evaluated: 2023-10-27. Review status: criteria provided, single submitter. Criteria: ACMG Guidelines, 2015. Collection method: curation. Allele origin: germline.
Comment: ACMG:PVS1 PM2